The following is an entry in ClinVar:

ClinVar aggregate classification (germline): Benign/Likely benign. Review status: criteria provided, multiple submitters, no conflicts (2 of 4 stars). 7 submissions from 7 submitters: Benign (1); Likely benign (6). Last evaluated 2025-08-07.

Conditions:
Hereditary cancer-predisposing syndrome. Also called: Neoplastic Syndromes, Hereditary; Tumor predisposition; Hereditary neoplastic syndrome; Hereditary Cancer Syndrome. Identifiers: Orphanet 140162, MedGen C0027672, MeSH D009386, MONDO:0015356.
Peutz-Jeghers syndrome (PJS). Also called: POLYPOSIS, HAMARTOMATOUS INTESTINAL; POLYPS-AND-SPOTS SYNDROME; Peutz-Jeghers polyposis; Periorificial lentiginosis syndrome. Identifiers: Orphanet 2869, MedGen C0031269, MeSH D010580, MONDO:0008280, OMIM 175200.

gnomAD v4.1: 6 of 1,606,144 alleles (0.00037%); highest among the groups gnomAD compares: Middle Eastern, 0.033%; no homozygotes.

Submissions (7):

Labcorp Genetics (formerly Invitae), Labcorp
Classification: Likely benign for Peutz-Jeghers syndrome. Last evaluated: 2025-08-07. Review status: criteria provided, single submitter. Criteria: Invitae Variant Classification Sherloc (09022015). Collection method: clinical testing. Allele origin: germline.

Myriad Genetics, Inc.
Classification: Benign for Peutz-Jeghers syndrome. Last evaluated: 2025-03-28. Review status: criteria provided, single submitter. Criteria: Myriad Autosomal Dominant, Autosomal Recessive and X-Linked Classification Criteria (2023). Collection method: clinical testing. Allele origin: unknown.
Comment: This variant is considered benign. This variant is a silent/synonymous amino acid change and it is not expected to impact splicing.

All of Us Research Program, National Institutes of Health
Classification: Likely benign for Peutz-Jeghers syndrome. Last evaluated: 2024-05-14. Review status: criteria provided, single submitter. Criteria: ACMG Guidelines, 2015. Collection method: clinical testing. Allele origin: germline. Inheritance: Autosomal dominant inheritance. Observed: 1 variant allele, 1 heterozygote.
Comment: This study involves interpretation of variants in research participants for the purpose of population health screening. Participant phenotype was not available at the time of variant classification. Additional details can be found in publication PMID: 35346344, PMCID: PMC8962531

GeneDx
Classification: Likely benign. Last evaluated: 2021-03-17. Review status: criteria provided, single submitter. Criteria: GeneDx Variant Classification Process June 2021. Collection method: clinical testing. Allele origin: germline. Affected: yes.
Comment: This variant is associated with the following publications: (PMID: 17950019)

Sema4
Classification: Likely benign for Hereditary cancer-predisposing syndrome. Last evaluated: 2021-01-26. Review status: criteria provided, single submitter. Criteria: Sema4 Curation Guidelines. Collection method: curation. Allele origin: germline.

Ambry Genetics
Classification: Likely benign for Hereditary cancer-predisposing syndrome. Last evaluated: 2019-11-20. Review status: criteria provided, single submitter. Criteria: Ambry Variant Classification Scheme 2023. Collection method: clinical testing. Allele origin: germline.

Color Diagnostics, LLC DBA Color Health
Classification: Likely benign for Hereditary cancer-predisposing syndrome. Last evaluated: 2017-12-05. Review status: criteria provided, single submitter. Criteria: ACMG Guidelines, 2015. Collection method: clinical testing. Allele origin: germline.

NM_000455.5(STK11):c.1191G>C (p.Ala397=)

Gene: STK11 (serine/threonine kinase 11; plus strand). Cytogenetic location: 19p13.3.
Variant type: single nucleotide variant.
Coding change: c.1191G>C on transcript NM_000455.5 (MANE Select); coding-DNA position 1191, G replaced by C.
Protein change: p.Ala397=; no amino-acid change (alanine 397 retained).
Molecular consequence: synonymous variant.
Genome position (GRCh38, 1-based): chr19:1,226,536, G>C. VCF-style: chr19-1226536-G-C. GRCh37 (hg19) VCF-style: chr19-1226535-G-C.
Identifiers: ClinVar variation 527857 (VCV000527857.22), dbSNP rs774759899, ClinGen allele CA045839.